The following is an entry in ClinVar:

NM_001943.5(DSG2):c.2435G>A (p.Gly812Asp)

Genes: DSG2 (desmoglein 2; plus strand), DSG2-AS1 (DSG2 antisense RNA 1; minus strand). Cytogenetic location: 18q12.1.
Variant type: single nucleotide variant.
Coding change: c.2435G>A on transcript NM_001943.5 (MANE Select); coding-DNA position 2435, G replaced by A.
Protein change: p.Gly812Asp; replaces glycine 812 with aspartic acid.
Molecular consequence: missense variant. On other transcripts: non-coding transcript variant (1).
Genome position (GRCh38, 1-based): chr18:31,545,821, G>A. VCF-style: chr18-31545821-G-A. GRCh37 (hg19) VCF-style: chr18-29125784-G-A.
Other names: short protein forms G812D.
Identifiers: ClinVar variation 2506274 (VCV002506274.5), dbSNP rs964527089, ClinGen allele CA297701838.

ClinVar aggregate classification (germline): Uncertain significance. Review status: criteria provided, multiple submitters, no conflicts (2 of 4 stars). 3 submissions from 3 submitters: Uncertain significance (3). Last evaluated 2024-12-24.

Conditions:
Arrhythmogenic right ventricular cardiomyopathy (ARVD). Also called: Arrhythmogenic right ventricular dysplasia; Cardiomyopathy, ARVC; Arrhythmogenic cardiomyopathy; Arrhythmogenic Right Ventricular Cardiomyopathy (ARVC). Identifiers: Orphanet 247, MedGen C0349788, MeSH D019571, MONDO:0016587. Disease mechanism: loss of function. Inheritance: Various modes of inheritance.
Arrhythmogenic right ventricular dysplasia 10. Also called: ARRHYTHMOGENIC RIGHT VENTRICULAR DYSPLASIA, FAMILIAL, 10; Arrhythmogenic Right Ventricular Dysplasia/Cardiomyopathy10; Arrhythmogenic right ventricular dysplasia/cardiomyopathy, type 10. Identifiers: MedGen C1857777, MONDO:0012434, OMIM 610193.

Allele frequency attached by ClinVar (database versions not stated): TOPMed below 0.00001.

Submissions (3):

Labcorp Genetics (formerly Invitae), Labcorp
Classification: Uncertain significance for Arrhythmogenic right ventricular dysplasia 10. Last evaluated: 2024-12-24. Review status: criteria provided, single submitter. Criteria: Invitae Variant Classification Sherloc (09022015). Collection method: clinical testing. Allele origin: germline.
Comment: This sequence change replaces glycine, which is neutral and non-polar, with aspartic acid, which is acidic and polar, at codon 812 of the DSG2 protein (p.Gly812Asp). This variant is not present in population databases (gnomAD no frequency). This variant has not been reported in the literature in individuals affected with DSG2-related conditions. ClinVar contains an entry for this variant (Variation ID: 2506274). Invitae Evidence Modeling of protein sequence and biophysical properties (such as structural, functional, and spatial information, amino acid conservation, physicochemical variation, residue mobility, and thermodynamic stability) indicates that this missense variant is not expected to disrupt DSG2 protein function with a negative predictive value of 95%. This variant disrupts the p.Gly812 amino acid residue in DSG2. Other variant(s) that disrupt this residue have been observed in individuals with DSG2-related conditions (PMID: 16773573, 20708101), which suggests that this may be a clinically significant amino acid residue. In summary, the available evidence is currently insufficient to determine the role of this variant in disease. Therefore, it has been classified as a Variant of Uncertain Significance.

All of Us Research Program, National Institutes of Health
Classification: Uncertain significance for Arrhythmogenic right ventricular cardiomyopathy. Last evaluated: 2024-06-17. Review status: criteria provided, single submitter. Criteria: ACMG Guidelines, 2015. Collection method: clinical testing. Allele origin: germline. Inheritance: Autosomal dominant inheritance. Observed: 3 variant alleles, 3 heterozygotes.
Comment: This missense variant replaces glycine with aspartic acid at codon 812 of the DSG2 protein. Computational prediction suggests that this variant may have deleterious impact on protein structure and function (internally defined REVEL score threshold >= 0.7, PMID: 27666373). To our knowledge, functional studies have not been reported for this variant. This variant has not been reported in individuals affected with cardiovascular disorders in the literature. This variant has not been identified in the general population by the Genome Aggregation Database (gnomAD). The available evidence is insufficient to determine the role of this variant in disease conclusively. Therefore, this variant is classified as a Variant of Uncertain Significance.

This study involves interpretation of variants in research participants for the purpose of population health screening. Participant phenotype was not available at the time of variant classification. Additional details can be found in publication PMID: 35346344, PMCID: PMC8962531

Women's Health and Genetics/Laboratory Corporation of America, LabCorp
Classification: Uncertain significance. Last evaluated: 2023-05-03. Review status: criteria provided, single submitter. Criteria: LabCorp Variant Classification Summary - May 2015. Collection method: clinical testing. Allele origin: germline.
Comment: Variant summary: DSG2 c.2435G>A (p.Gly812Asp) results in a non-conservative amino acid change in the encoded protein sequence. Five of five in-silico tools predict a damaging effect of the variant on protein function. The variant was absent in 249430 control chromosomes. The available data on variant occurrences in the general population are insufficient to allow any conclusion about variant significance. To our knowledge, no occurrence of c.2435G>A in individuals affected with Cardiomyopathy and no experimental evidence demonstrating its impact on protein function have been reported. No clinical diagnostic laboratories have submitted clinical-significance assessments for this variant to ClinVar after 2014. Based on the evidence outlined above, the variant was classified as uncertain significance.

Literature cited by the submitters: PubMed 16773573 (cited by Labcorp Genetics (formerly Invitae), Labcorp); PubMed 20708101 (cited by Labcorp Genetics (formerly Invitae), Labcorp).